The following is an entry in ClinVar:

ClinVar aggregate classification (germline): Likely pathogenic (1 of 4 stars; one submission).

Allele frequency attached by ClinVar (database versions not stated): gnomAD exomes below 0.00001.
gnomAD v4.1: 1 of 1,614,132 alleles (0.000062%); highest among the groups gnomAD compares: Non-Finnish European, 0.000085%; no homozygotes.

Submission:

Labcorp Genetics (formerly Invitae), Labcorp
Classification: Likely pathogenic. Last evaluated: 2024-08-05. Review status: criteria provided, single submitter. Criteria: Invitae Variant Classification Sherloc (09022015). Collection method: clinical testing. Allele origin: germline.
Comment: This sequence change replaces glycine, which is neutral and non-polar, with serine, which is neutral and polar, at codon 1127 of the COL4A1 protein (p.Gly1127Ser). This variant is not present in population databases (gnomAD no frequency). This variant has not been reported in the literature in individuals affected with COL4A1-related conditions. An algorithm developed to predict the effect of missense changes on protein structure and function (PolyPhen-2) suggests that this variant is likely to be disruptive. This variant disrupts the triple helix domain of COL4A1. Glycine residues within the Gly-Xaa-Yaa repeats of the triple helix domain are required for the structure and stability of fibrillar collagens (PMID: 7695699, 8218237, 19344236). In COL4A1 variants affecting these glycine residues are significantly enriched in individuals with disease (PMID: 9016532, 17078022) compared to the general population (ExAC). In summary, the currently available evidence indicates that the variant is pathogenic, but additional data are needed to prove that conclusively. Therefore, this variant has been classified as Likely Pathogenic.

Literature cited by the submitters: PubMed 7695699; PubMed 8218237; PubMed 19344236; PubMed 9016532; PubMed 17078022.

NM_001845.6(COL4A1):c.3379G>A (p.Gly1127Ser)

Gene: COL4A1 (collagen type IV alpha 1 chain; minus strand). Cytogenetic location: 13q34.
Variant type: single nucleotide variant.
Coding change: c.3379G>A on transcript NM_001845.6 (MANE Select); coding-DNA position 3379, G replaced by A.
Protein change: p.Gly1127Ser; replaces glycine 1127 with serine.
Molecular consequence: missense variant.
Genome position (GRCh38, 1-based): chr13:110,174,473, C>T on the plus strand (G>A on the coding strand, the complement: COL4A1 is on the minus strand). VCF-style: chr13-110174473-C-T. GRCh37 (hg19) VCF-style: chr13-110826820-C-T.
Other names: short protein forms G1127S.
Identifiers: ClinVar variation 2799753 (VCV002799753.3), dbSNP rs2501770318, ClinGen allele CA388664372.
Genomic context (GRCh38, chr13:110,174,473, plus strand): 5'-TGCCCGGGCTGTGTCCCAAAGAGGGCCCTCTACCTGCTTCTCCTTTGACACCAGGGATGC[C>T]ATCCAATCCTGGGAGGCCTTTGTCACCTTTTTCTCCAGGTAGCCCAGGACTTCCTAAAGA-3'
Protein context (NP_001836.3, residues 1117-1137): KGDKGLPGLD[Gly1127Ser]IPGVKGEAGL